The following is an entry in ClinVar:

ClinVar aggregate classification (germline): Uncertain significance (1 of 4 stars; one submission).

Conditions:
Vici syndrome (VICIS). Identifiers: Orphanet 1493, MedGen C1855772, MONDO:0009452, OMIM 242840.

Allele frequency attached by ClinVar (database versions not stated): gnomAD exomes below 0.00001 and 0.00001; ExAC 0.00001; gnomAD 0.00001; TOPMed 0.00002.
gnomAD v4.1: 7 of 1,578,736 alleles (0.00044%); highest among the groups gnomAD compares: South Asian, 0.0024%; no homozygotes.

Submission:

Labcorp Genetics (formerly Invitae), Labcorp
Classification: Uncertain significance for Vici syndrome. Last evaluated: 2018-02-16. Review status: criteria provided, single submitter. Criteria: Invitae Variant Classification Sherloc (09022015). Collection method: clinical testing. Allele origin: germline.
Comment: This sequence change replaces tyrosine with histidine at codon 803 of the EPG5 protein (p.Tyr803His). The tyrosine residue is moderately conserved and there is a moderate physicochemical difference between tyrosine and histidine. This variant is present in population databases (rs762353654, ExAC 0.007%). This variant has not been reported in the literature in individuals with EPG5-related disease. Algorithms developed to predict the effect of missense changes on protein structure and function do not agree on the potential impact of this missense change (SIFT: "Deleterious"; PolyPhen-2: "Probably Damaging"; Align-GVGD: "Class C0"). In summary, the available evidence is currently insufficient to determine the role of this variant in disease. Therefore, it has been classified as a Variant of Uncertain Significance.

NM_020964.3(EPG5):c.2407T>C (p.Tyr803His)

Gene: EPG5 (ectopic P-granules 5 autophagy tethering factor; minus strand). Cytogenetic location: 18q21.1.
Variant type: single nucleotide variant.
Coding change: c.2407T>C on transcript NM_020964.3 (MANE Select); coding-DNA position 2407, T replaced by C.
Protein change: p.Tyr803His; replaces tyrosine 803 with histidine.
Molecular consequence: missense variant.
Genome position (GRCh38, 1-based): chr18:45,930,681, A>G on the plus strand (T>C on the coding strand, the complement: EPG5 is on the minus strand). VCF-style: chr18-45930681-A-G. GRCh37 (hg19) VCF-style: chr18-43510647-A-G.
Other names: c.2407T>C, p.Tyr803His (LRG_1234t1); short protein forms Y803H.
Identifiers: ClinVar variation 572684 (VCV000572684.2), dbSNP rs762353654, ClinGen allele CA8949446.